The following is an entry in ClinVar:

NM_001286577.2(C2CD3):c.5309A>C (p.His1770Pro)

Gene: C2CD3 (C2 domain containing 3 centriole elongation regulator; minus strand). Cytogenetic location: 11q13.4.
Variant type: single nucleotide variant.
Coding change: c.5309A>C on transcript NM_001286577.2 (MANE Select); coding-DNA position 5309, A replaced by C.
Protein change: p.His1770Pro; replaces histidine 1770 with proline.
Molecular consequence: missense variant.
Genome position (GRCh38, 1-based): chr11:74,049,389, T>G on the plus strand (A>C on the coding strand, the complement: C2CD3 is on the minus strand). VCF-style: chr11-74049389-T-G. GRCh37 (hg19) VCF-style: chr11-73760434-T-G.
Other names: c.5309A>C, p.His1770Pro (NM_015531.6); short protein forms H1770P.
Identifiers: ClinVar variation 2230044 (VCV002230044.2), dbSNP rs1251488281, ClinGen allele CA381827462.

ClinVar aggregate classification (germline): Uncertain significance (1 of 4 stars; one submission).

Conditions:
Inborn genetic diseases. Identifiers: MedGen C0950123, MeSH D030342.

Submission:

Ambry Genetics
Classification: Uncertain significance for Inborn genetic diseases. Last evaluated: 2021-05-13. Review status: criteria provided, single submitter. Criteria: Ambry Variant Classification Scheme 2023. Collection method: clinical testing. Allele origin: germline.
Comment: The c.5309A>C (p.H1770P) alteration is located in exon 27 (coding exon 27) of the C2CD3 gene. This alteration results from a A to C substitution at nucleotide position 5309, causing the histidine (H) at amino acid position 1770 to be replaced by a proline (P). The p.H1770P alteration is predicted to be tolerated by in silico analysis. Based on insufficient or conflicting evidence, the clinical significance of this alteration remains unclear.